The following is an entry in ClinVar:

NM_001387777.1(TNS1):c.3597G>A (p.Ser1199=)

Gene: TNS1 (tensin 1; minus strand). Cytogenetic location: 2q35.
Variant type: single nucleotide variant.
Coding change: c.3597G>A on transcript NM_001387777.1 (MANE Select); coding-DNA position 3597, G replaced by A.
Protein change: p.Ser1199=; no amino-acid change (serine 1199 retained).
Molecular consequence: synonymous variant.
Genome position (GRCh38, 1-based): chr2:217,818,735, C>T on the plus strand (G>A on the coding strand, the complement: TNS1 is on the minus strand). VCF-style: chr2-217818735-C-T. GRCh37 (hg19) VCF-style: chr2-218683458-C-T.
Other names: c.3246G>A, p.Ser1082= (NM_001308022.2); c.3222G>A, p.Ser1074= (NM_001308023.2); c.3285G>A, p.Ser1095= (NM_022648.7).
Identifiers: ClinVar variation 3052682 (VCV003052682.2), dbSNP rs375025312, ClinGen allele CA2099829.

ClinVar aggregate classification (germline): Likely benign (0 of 4 stars; one submission).

Conditions:
TNS1-related disorder. Also called: TNS1-related condition.

Allele frequency attached by ClinVar (database versions not stated): ExAC 0.00001; gnomAD 0.00003; gnomAD exomes 0.00003; TOPMed 0.00004; ESP Exome Variant Server 0.00008.
gnomAD v4.1: 48 of 1,612,012 alleles (0.003%); highest among the groups gnomAD compares: Middle Eastern, 0.034%; no homozygotes.

Submission:

PreventionGenetics, part of Exact Sciences
Classification: Likely benign for TNS1-related condition. Last evaluated: 2019-08-14. Review status: no assertion criteria provided. Collection method: clinical testing. Allele origin: germline.
Comment: This variant is classified as likely benign based on ACMG/AMP sequence variant interpretation guidelines (Richards et al. 2015 PMID: 25741868, with internal and published modifications).